The following is an entry in ClinVar:

NM_000051.4(ATM):c.2258T>A (p.Met753Lys)

Gene: ATM (ATM serine/threonine kinase; plus strand). Cytogenetic location: 11q22.3.
Variant type: single nucleotide variant.
Coding change: c.2258T>A on transcript NM_000051.4 (MANE Select); coding-DNA position 2258, T replaced by A.
Protein change: p.Met753Lys; replaces methionine 753 with lysine.
Molecular consequence: missense variant.
Genome position (GRCh38, 1-based): chr11:108,257,488, T>A. VCF-style: chr11-108257488-T-A. GRCh37 (hg19) VCF-style: chr11-108128215-T-A.
Other names: c.2258T>A, p.Met753Lys (NM_001351834.2); short protein forms M753K.
Identifiers: ClinVar variation 4747184 (VCV004747184.1).

ClinVar aggregate classification (germline): Uncertain significance (1 of 4 stars; one submission).

Conditions:
Ataxia-telangiectasia syndrome (AT). Also called: Ataxia-telangiectasia, complementation group D; AT, COMPLEMENTATION GROUP C; Ataxia-telangiectasia; Ataxia telangiectasia (A-T); LOUIS-BAR SYNDROME; Cerebello-oculocutaneous telangiectasia. Identifiers: Orphanet 100, MedGen C0004135, MONDO:0008840, OMIM 208900.

Submission:

Labcorp Genetics (formerly Invitae), Labcorp
Classification: Uncertain significance for Ataxia-telangiectasia syndrome. Last evaluated: 2025-05-07. Review status: criteria provided, single submitter. Criteria: Invitae Variant Classification Sherloc (09022015). Collection method: clinical testing. Allele origin: germline.
Comment: This sequence change replaces methionine, which is neutral and non-polar, with lysine, which is basic and polar, at codon 753 of the ATM protein (p.Met753Lys). This variant is not present in population databases (gnomAD no frequency). This variant has not been reported in the literature in individuals affected with ATM-related conditions. Invitae Evidence Modeling of protein sequence and biophysical properties (such as structural, functional, and spatial information, amino acid conservation, physicochemical variation, residue mobility, and thermodynamic stability) indicates that this missense variant is not expected to disrupt ATM protein function with a negative predictive value of 95%. In summary, the available evidence is currently insufficient to determine the role of this variant in disease. Therefore, it has been classified as a Variant of Uncertain Significance.